The following is an entry in ClinVar:

ClinVar aggregate classification (germline): Benign (1 of 4 stars; one submission).

Allele frequency attached by ClinVar (database versions not stated): 1000 Genomes Project 0.17572; 1000 Genomes Project 30x 0.17879; gnomAD exomes 0.18395; gnomAD 0.22683 and 0.23567; TOPMed 0.24319.
gnomAD v4.1: 116,434 of 594,028 alleles (20%); highest among the groups gnomAD compares: African/African-American, 32%; 13,623 homozygotes.

Submission:

GeneDx
Classification: Benign. Last evaluated: 2018-06-14. Review status: criteria provided, single submitter. Criteria: GeneDx Variant Classification (06012015). Collection method: clinical testing. Allele origin: germline. Affected: yes.
Comment: This variant is considered likely benign or benign based on one or more of the following criteria: it is a conservative change, it occurs at a poorly conserved position in the protein, it is predicted to be benign by multiple in silico algorithms, and/or has population frequency not consistent with disease.

NM_015443.4(KANSL1):c.2837+175C>T

Gene: KANSL1 (KAT8 regulatory NSL complex subunit 1). Cytogenetic location: 17q21.31.
Variant type: single nucleotide variant.
Coding change: c.2837+175C>T on transcript NM_015443.4 (MANE Select); 175 bases into the intron after coding-DNA position 2837, C replaced by T.
Molecular consequence: intron variant.
Genome position (GRCh38, 1-based): chr17:46,032,905, G>A on the plus strand (C>T on the coding strand, the complement: KANSL1 is on the minus strand). VCF-style: chr17-46032905-G-A. GRCh37 (hg19) VCF-style: chr17-44110271-G-A.
Other names: c.2834+175C>T (NM_001193465.2); c.2837+175C>T (NM_001379198.1, NM_001193466.2).
Identifiers: ClinVar variation 670432 (VCV000670432.1), dbSNP rs7350980, ClinGen allele CA15891898.
Genomic context (GRCh38, chr17:46,032,905, plus strand): 5'-ACATAGTGACTTCTCAGCAAGGATCTAGCACTTGGCTCCTTATATCTCCACTAGTTCCAT[G>A]TATCTCCACTAGTTCCAACAAACACCAAGGAAATTCTGAGCTATTTGCCACTGCCAGTAG-3'